The following is an entry in ClinVar:

NM_000059.4(BRCA2):c.3054G>C (p.Lys1018Asn)

Gene: BRCA2 (BRCA2 DNA repair associated; plus strand). Cytogenetic location: 13q13.1.
Variant type: single nucleotide variant.
Coding change: c.3054G>C on transcript NM_000059.4 (MANE Select); coding-DNA position 3054, G replaced by C.
Protein change: p.Lys1018Asn; replaces lysine 1018 with asparagine.
Molecular consequence: missense variant.
Genome position (GRCh38, 1-based): chr13:32,337,409, G>C. VCF-style: chr13-32337409-G-C. GRCh37 (hg19) VCF-style: chr13-32911546-G-C.
Other names: short protein forms K1018N.
Identifiers: ClinVar variation 662933 (VCV000662933.10), dbSNP rs368404583, ClinGen allele CA387775082.

ClinVar aggregate classification (germline): Conflicting classifications of pathogenicity. Review status: criteria provided, conflicting classifications (1 of 4 stars). 2 submissions from 2 submitters: Uncertain significance (1); Likely benign (1). Last evaluated 2023-03-23.

Conditions:
Hereditary breast ovarian cancer syndrome. Also called: Hereditary breast and ovarian cancer syndrome (HBOC); Hereditary breast and ovarian cancer syndrome; Breast and ovarian cancer; Hereditary breast and ovarian cancer; Hereditary breast and/or ovarian cancer syndrome; BRCA1- and BRCA2-Associated Hereditary Breast and Ovarian Cancer. Identifiers: Orphanet 145, MedGen C0677776, MeSH D061325, MONDO:0003582. Disease mechanism: loss of function.
Hereditary cancer-predisposing syndrome. Also called: Neoplastic Syndromes, Hereditary; Tumor predisposition; Hereditary neoplastic syndrome; Hereditary Cancer Syndrome. Identifiers: Orphanet 140162, MedGen C0027672, MeSH D009386, MONDO:0015356.

Submissions (2):

University of Washington Department of Laboratory Medicine, University of Washington
Classification: Likely benign for Hereditary cancer-predisposing syndrome. Last evaluated: 2023-03-23. Review status: criteria provided, single submitter. Criteria: Dines et al. (Genet Med. 2020). Collection method: curation. Allele origin: germline.
Comment: Missense variant in a coldspot region where missense variants are very unlikely to be pathogenic (PMID:31911673).

BRCA2 exon 11 coldspot. Reclassification based on statistical prior probability.

Labcorp Genetics (formerly Invitae), Labcorp
Classification: Uncertain significance for Hereditary breast ovarian cancer syndrome. Last evaluated: 2018-11-15. Review status: criteria provided, single submitter. Criteria: Invitae Variant Classification Sherloc (09022015). Collection method: clinical testing. Allele origin: germline.
Comment: In summary, the available evidence is currently insufficient to determine the role of this variant in disease. Therefore, it has been classified as a Variant of Uncertain Significance. Algorithms developed to predict the effect of missense changes on protein structure and function are either unavailable or do not agree on the potential impact of this missense change (SIFT: "Tolerated"; PolyPhen-2: "Probably Damaging"; Align-GVGD: "Class C0"). This variant has not been reported in the literature in individuals with BRCA2-related disease. This variant is not present in population databases (ExAC no frequency). This sequence change replaces lysine with asparagine at codon 1018 of the BRCA2 protein (p.Lys1018Asn). The lysine residue is weakly conserved and there is a moderate physicochemical difference between lysine and asparagine.